The following is an entry in ClinVar:

ClinVar aggregate classification (germline): Uncertain significance (1 of 4 stars; one submission).

Conditions:
Primary immunodeficiency with post-measles-mumps-rubella vaccine viral infection. Also called: Immunodeficiency 44. Identifiers: Orphanet 431166, MedGen C4225260, MONDO:0014715, OMIM 616636.

Allele frequency attached by ClinVar (database versions not stated): gnomAD exomes below 0.00001; TOPMed below 0.00001; gnomAD 0.00001.

Submission:

Labcorp Genetics (formerly Invitae), Labcorp
Classification: Uncertain significance for Primary immunodeficiency with post-measles-mumps-rubella vaccine viral infection. Last evaluated: 2020-01-27. Review status: criteria provided, single submitter. Criteria: Invitae Variant Classification Sherloc (09022015). Collection method: clinical testing. Allele origin: germline.
Comment: In summary, the available evidence is currently insufficient to determine the role of this variant in disease. Therefore, it has been classified as a Variant of Uncertain Significance. Algorithms developed to predict the effect of missense changes on protein structure and function (SIFT, PolyPhen-2, Align-GVGD) all suggest that this variant is likely to be tolerated, but these predictions have not been confirmed by published functional studies and their clinical significance is uncertain. This variant has not been reported in the literature in individuals with STAT2-related conditions. This variant is not present in population databases (ExAC no frequency). This sequence change replaces aspartic acid with glutamic acid at codon 189 of the STAT2 protein (p.Asp189Glu). The aspartic acid residue is moderately conserved and there is a small physicochemical difference between aspartic acid and glutamic acid.

NM_005419.4(STAT2):c.567C>A (p.Asp189Glu)

Gene: STAT2 (signal transducer and activator of transcription 2; minus strand). Cytogenetic location: 12q13.3.
Variant type: single nucleotide variant.
Coding change: c.567C>A on transcript NM_005419.4 (MANE Select); coding-DNA position 567, C replaced by A.
Protein change: p.Asp189Glu; replaces aspartic acid 189 with glutamic acid.
Molecular consequence: missense variant.
Genome position (GRCh38, 1-based): chr12:56,354,844, G>T on the plus strand (C>A on the coding strand, the complement: STAT2 is on the minus strand). VCF-style: chr12-56354844-G-T. GRCh37 (hg19) VCF-style: chr12-56748628-G-T.
Other names: c.555C>A, p.Asp185Glu (NM_001385110.1, NM_001385115.1, NM_198332.2); c.567C>A, p.Asp189Glu (NM_001385111.1, NM_001385113.1, NM_001385114.1); short protein forms D189E, D185E.
Identifiers: ClinVar variation 1047500 (VCV001047500.9), dbSNP rs1879265080, ClinGen allele CA385263001.